The following is an entry in ClinVar:

NM_182914.3(SYNE2):c.18347G>A (p.Arg6116His)

Gene: SYNE2 (spectrin repeat containing nuclear envelope protein 2; plus strand). Cytogenetic location: 14q23.2.
Variant type: single nucleotide variant.
Coding change: c.18347G>A on transcript NM_182914.3 (MANE Select); coding-DNA position 18347, G replaced by A.
Protein change: p.Arg6116His; replaces arginine 6116 with histidine.
Molecular consequence: missense variant.
Genome position (GRCh38, 1-based): chr14:64,208,903, G>A. VCF-style: chr14-64208903-G-A. GRCh37 (hg19) VCF-style: chr14-64675621-G-A.
Other names: c.18347G>A, p.Arg6116His (NM_015180.6); c.18347G>A (NM_182914.2); short protein forms R6116H.
Identifiers: ClinVar variation 3618472 (VCV003618472.3).
Genomic context (GRCh38, chr14:64,208,903, plus strand): 5'-CCTGTGCAAATGAGACCGAGTGTGACTCGATCCAGCAGACCACCAGGAGCCTGGACAGAC[G>A]CTGGAGGAACATTTGTGCCATGTCCATGGAGCGGCGCATGAAGTAAGAACTAAGCTCCCC-3'
Protein context (NP_878918.2, residues 6106-6126): IQQTTRSLDR[Arg6116His]WRNICAMSME

ClinVar aggregate classification (germline): Uncertain significance. Review status: criteria provided, multiple submitters, no conflicts (2 of 4 stars). 2 submissions from 2 submitters: Uncertain significance (2). Last evaluated 2025-04-17.

Conditions:
Emery-Dreifuss muscular dystrophy 5, autosomal dominant (EDMD5). Also called: EMERY-DREIFUSS MUSCULAR DYSTROPHY 5. Identifiers: Orphanet 261, MedGen C2751805, MONDO:0013072, OMIM 612999.

gnomAD v4.1: 13 of 1,614,042 alleles (0.00081%); highest among the groups gnomAD compares: African/African-American, 0.0027%; no homozygotes.

Submissions (2):

Ambry Genetics
Classification: Uncertain significance. Last evaluated: 2025-04-17. Review status: criteria provided, single submitter. Criteria: Ambry Variant Classification Scheme 2023. Collection method: clinical testing. Allele origin: germline.

Labcorp Genetics (formerly Invitae), Labcorp
Classification: Uncertain significance for Emery-Dreifuss muscular dystrophy 5, autosomal dominant. Last evaluated: 2025-01-27. Review status: criteria provided, single submitter. Criteria: Invitae Variant Classification Sherloc (09022015). Collection method: clinical testing. Allele origin: germline.
Comment: This sequence change replaces arginine, which is basic and polar, with histidine, which is basic and polar, at codon 6116 of the SYNE2 protein (p.Arg6116His). This variant is present in population databases (rs770755247, gnomAD 0.0009%). This variant has not been reported in the literature in individuals affected with SYNE2-related conditions. An algorithm developed to predict the effect of missense changes on protein structure and function (PolyPhen-2) suggests that this variant is likely to be disruptive. In summary, the available evidence is currently insufficient to determine the role of this variant in disease. Therefore, it has been classified as a Variant of Uncertain Significance.